The following is an entry in ClinVar:

ClinVar aggregate classification (germline): Uncertain significance (1 of 4 stars; one submission).

Allele frequency attached by ClinVar (database versions not stated): gnomAD 0.00001; 1000 Genomes Project 30x 0.00016; 1000 Genomes Project 0.00020.
gnomAD v4.1: 26 of 1,562,804 alleles (0.0017%); highest among the groups gnomAD compares: East Asian, 0.059%; no homozygotes.

Submission:

Labcorp Genetics (formerly Invitae), Labcorp
Classification: Uncertain significance. Last evaluated: 2022-07-15. Review status: criteria provided, single submitter. Criteria: Invitae Variant Classification Sherloc (09022015). Collection method: clinical testing. Allele origin: germline.
Comment: This sequence change replaces proline, which is neutral and non-polar, with threonine, which is neutral and polar, at codon 258 of the MYO18B protein (p.Pro258Thr). This variant is present in population databases (rs536132671, gnomAD 0.01%). This variant has not been reported in the literature in individuals affected with MYO18B-related conditions. Algorithms developed to predict the effect of missense changes on protein structure and function are either unavailable or do not agree on the potential impact of this missense change (SIFT: "Not Available"; PolyPhen-2: "Benign"; Align-GVGD: "Not Available"). In summary, the available evidence is currently insufficient to determine the role of this variant in disease. Therefore, it has been classified as a Variant of Uncertain Significance.

NM_032608.7(MYO18B):c.772C>A (p.Pro258Thr)

Gene: MYO18B (myosin XVIIIB; plus strand). Cytogenetic location: 22q12.1.
Variant type: single nucleotide variant.
Coding change: c.772C>A on transcript NM_032608.7 (MANE Select); coding-DNA position 772, C replaced by A.
Protein change: p.Pro258Thr; replaces proline 258 with threonine.
Molecular consequence: missense variant.
Genome position (GRCh38, 1-based): chr22:25,768,688, C>A. VCF-style: chr22-25768688-C-A. GRCh37 (hg19) VCF-style: chr22-26164655-C-A.
Other names: c.772C>A, p.Pro258Thr (NM_001318245.2); short protein forms P258T.
Identifiers: ClinVar variation 2108075 (VCV002108075.4), dbSNP rs536132671, ClinGen allele CA10159686.
Genomic context (GRCh38, chr22:25,768,688, plus strand): 5'-CAAAGCATAGTGGGGAAGGGGCTTGGGACCCCCAAGACCACAGAGCTGAAAGAGGCTGAG[C>A]CCCAGGGCAAAGACAGGCAGGGGACCAGGCCCCAAGCCCAAGGGCCCGGCGAGGGGGTGC-3'
Protein context (NP_115997.5, residues 248-268): PKTTELKEAE[Pro258Thr]QGKDRQGTRP